The following is an entry in ClinVar:

ClinVar aggregate classification (germline): Benign/Likely benign. Review status: criteria provided, multiple submitters, no conflicts (2 of 4 stars). 3 submissions from 3 submitters: Benign (1); Likely benign (2). Last evaluated 2026-01-26.

Conditions:
Supravalvar aortic stenosis (SVAS). Also called: Supravalvar aortic stenosis, Eisenberg type. Identifiers: Orphanet 3193, MedGen C0003499, MONDO:0008504, OMIM 185500, HP:0004381.

Allele frequency attached by ClinVar (database versions not stated): gnomAD exomes 0.00020 and 0.00076; ExAC 0.00103; gnomAD 0.00290 and 0.00297; ESP Exome Variant Server 0.00292; TOPMed 0.00303; 1000 Genomes Project 0.00539; 1000 Genomes Project 30x 0.00562.
gnomAD v4.1: 759 of 1,613,542 alleles (0.047%); highest among the groups gnomAD compares: African/African-American, 0.89%; 3 homozygotes.

Submissions (3):

Labcorp Genetics (formerly Invitae), Labcorp
Classification: Benign for Supravalvar aortic stenosis. Last evaluated: 2026-01-26. Review status: criteria provided, single submitter. Criteria: Invitae Variant Classification Sherloc (09022015). Collection method: clinical testing. Allele origin: germline.

Blueprint Genetics
Classification: Likely benign. Last evaluated: 2024-08-28. Review status: criteria provided, single submitter. Criteria: ACMG Guidelines, 2015. Collection method: clinical testing. Allele origin: germline.

GeneDx
Classification: Likely benign. Last evaluated: 2021-01-19. Review status: criteria provided, single submitter. Criteria: GeneDx Variant Classification Process June 2021. Collection method: clinical testing. Allele origin: germline. Affected: yes.
Comment: This variant is associated with the following publications: (PMID: 10942104)

NM_000501.4(ELN):c.1279C>G (p.Pro427Ala)

Gene: ELN (elastin; plus strand). Cytogenetic location: 7q11.23.
Variant type: single nucleotide variant.
Coding change: c.1279C>G on transcript NM_000501.4 (MANE Select); coding-DNA position 1279, C replaced by G.
Protein change: p.Pro427Ala; replaces proline 427 with alanine.
Molecular consequence: missense variant. On other transcripts: intron variant (2).
Genome position (GRCh38, 1-based): chr7:74,056,399, C>G. VCF-style: chr7-74056399-C-G. GRCh37 (hg19) VCF-style: chr7-73470729-C-G.
Other names: c.1249C>G, p.Pro417Ala (NM_001081752.3, NM_001278917.2); c.1294C>G, p.Pro432Ala (NM_001081753.3, NM_001081754.3); c.1279C>G, p.Pro427Ala (NM_001081755.3, NM_001278912.2, NM_001278915.2 and 1 more transcripts); c.1264C>G, p.Pro422Ala (NM_001278914.2); c.1237C>G, p.Pro413Ala (NM_001278916.2); c.1129+42C>G (NM_001278913.2); c.1105+42C>G (NM_001278918.2); short protein forms P427A, P413A, P417A, P432A, P422A.
Identifiers: ClinVar variation 506719 (VCV000506719.15), dbSNP rs144341345, ClinGen allele CA4292914.